The following is an entry in ClinVar:

NM_001734.5(C1S):c.2057G>A (p.Arg686His)

Gene: C1S (complement C1s; plus strand). Cytogenetic location: 12p13.31.
Variant type: single nucleotide variant.
Coding change: c.2057G>A on transcript NM_001734.5 (MANE Select); coding-DNA position 2057, G replaced by A.
Protein change: p.Arg686His; replaces arginine 686 with histidine.
Molecular consequence: missense variant.
Genome position (GRCh38, 1-based): chr12:7,070,641, G>A. VCF-style: chr12-7070641-G-A. GRCh37 (hg19) VCF-style: chr12-7177945-G-A.
Other names: c.1556G>A, p.Arg519His (NM_001346850.2); c.2057G>A, p.Arg686His (NM_201442.4); c.2057G>A (NM_201442.2); short protein forms R519H, R686H.
Identifiers: ClinVar variation 1525339 (VCV001525339.11), dbSNP rs782484390, ClinGen allele CA6423886.

ClinVar aggregate classification (germline): Uncertain significance. Review status: criteria provided, multiple submitters, no conflicts (2 of 4 stars). 3 submissions from 3 submitters: Uncertain significance (3). Last evaluated 2026-02-03.

Conditions:
Inborn genetic diseases. Identifiers: MedGen C0950123, MeSH D030342.

Allele frequency attached by ClinVar (database versions not stated): gnomAD 0.00001; TOPMed 0.00003.

Submissions (3):

Labcorp Genetics (formerly Invitae), Labcorp
Classification: Uncertain significance. Last evaluated: 2026-02-03. Review status: criteria provided, single submitter. Criteria: Invitae Variant Classification Sherloc (09022015). Collection method: clinical testing. Allele origin: germline.
Comment: This sequence change replaces arginine, which is basic and polar, with histidine, which is basic and polar, at codon 686 of the C1S protein (p.Arg686His). This variant is present in population databases (rs782484390, gnomAD 0.006%). This variant has not been reported in the literature in individuals affected with C1S-related conditions. ClinVar contains an entry for this variant (Variation ID: 1525339). An algorithm developed to predict the effect of missense changes on protein structure and function (PolyPhen-2) suggests that this variant is likely to be tolerated. In summary, the available evidence is currently insufficient to determine the role of this variant in disease. Therefore, it has been classified as a Variant of Uncertain Significance.

GeneDx
Classification: Uncertain significance. Last evaluated: 2025-06-05. Review status: criteria provided, single submitter. Criteria: GeneDx Variant Classification Process June 2021. Collection method: clinical testing. Allele origin: germline. Affected: yes.
Comment: Not observed at significant frequency in large population cohorts (gnomAD); In silico analysis suggests that this missense variant does not alter protein structure/function; Has not been previously published as pathogenic or benign to our knowledge

Ambry Genetics
Classification: Uncertain significance for Inborn genetic diseases. Last evaluated: 2025-04-29. Review status: criteria provided, single submitter. Criteria: Ambry Variant Classification Scheme 2023. Collection method: clinical testing. Allele origin: germline.